The following is an entry in ClinVar:

NM_000143.4(FH):c.109T>G (p.Trp37Gly)

Gene: FH (fumarate hydratase; minus strand). Cytogenetic location: 1q43.
Variant type: single nucleotide variant.
Coding change: c.109T>G on transcript NM_000143.4 (MANE Select); coding-DNA position 109, T replaced by G.
Protein change: p.Trp37Gly; replaces tryptophan 37 with glycine.
Molecular consequence: missense variant.
Genome position (GRCh38, 1-based): chr1:241,519,614, A>C on the plus strand (T>G on the coding strand, the complement: FH is on the minus strand). VCF-style: chr1-241519614-A-C. GRCh37 (hg19) VCF-style: chr1-241682914-A-C.
Other names: short protein forms W37G.
Identifiers: ClinVar variation 5021786 (VCV005021786.1).
Genomic context (GRCh38, chr1:241,519,614, plus strand): 5'-ACTGCGGGGAGGCCGGGGGATGGCGGCCTGCGCTCACCATTCGAGCCGCGTTCGGAGGCC[A>C]AAACGAGGGCACGGCCGCGCCACCCAAGCCGGGAGCCGAAGCTAAGGCTGCGGCTGGAGC-3'
Protein context (NP_000134.2, residues 27-47): GLGGAAVPSF[Trp37Gly]PPNAARMASQ

ClinVar aggregate classification (germline): Uncertain significance (1 of 4 stars; one submission).

Conditions:
Hereditary cancer-predisposing syndrome. Also called: Neoplastic Syndromes, Hereditary; Tumor predisposition; Hereditary neoplastic syndrome; Hereditary Cancer Syndrome. Identifiers: Orphanet 140162, MedGen C0027672, MeSH D009386, MONDO:0015356.

Submission:

Ambry Genetics
Classification: Uncertain significance for Hereditary cancer-predisposing syndrome. Last evaluated: 2026-08-21. Review status: criteria provided, single submitter. Criteria: Ambry Variant Classification Scheme 2023. Collection method: clinical testing. Allele origin: germline.
Comment: The p.W37G variant (also known as c.109T>G), located in coding exon 1 of the FH gene, results from a T to G substitution at nucleotide position 109. The tryptophan at codon 37 is replaced by glycine, an amino acid with highly dissimilar properties. This amino acid position is conserved. In addition, the in silico prediction for this alteration is inconclusive. Based on the available evidence, the clinical significance of this variant remains unclear.